The following is an entry in ClinVar:

NM_000038.6(APC):c.6292A>T (p.Asn2098Tyr)

Gene: APC (APC regulator of Wnt signaling pathway; plus strand). Cytogenetic location: 5q22.2.
Variant type: single nucleotide variant.
Coding change: c.6292A>T on transcript NM_000038.6 (MANE Select); coding-DNA position 6292, A replaced by T.
Protein change: p.Asn2098Tyr; replaces asparagine 2098 with tyrosine.
Molecular consequence: missense variant. On other transcripts: non-coding transcript variant (2).
Genome position (GRCh38, 1-based): chr5:112,841,886, A>T. VCF-style: chr5-112841886-A-T. GRCh37 (hg19) VCF-style: chr5-112177583-A-T.
Other names: c.6292A>T, p.Asn2098Tyr (NM_001127510.3, NM_001354895.2, NM_001407450.1); c.6238A>T, p.Asn2080Tyr (NM_001127511.3); c.6346A>T, p.Asn2116Tyr (NM_001354896.2, NM_001407447.1, NM_001407448.1 and 1 more transcripts); c.6322A>T, p.Asn2108Tyr (NM_001354897.2); c.6217A>T, p.Asn2073Tyr (NM_001354898.2); c.6208A>T, p.Asn2070Tyr (NM_001354899.2); c.6169A>T, p.Asn2057Tyr (NM_001354900.2); c.6115A>T, p.Asn2039Tyr (NM_001354901.2, NM_001407453.1); and 11 more; short protein forms N1997Y, N2057Y, N2070Y, N2091Y, N2126Y, N1714Y, N1938Y, N1969Y.
Identifiers: ClinVar variation 3881211 (VCV003881211.1).
Genomic context (GRCh38, chr5:112,841,886, plus strand): 5'-CTTGATTTGAAAGATATACAGAGACCAGATTCAGAACATGGTCTATCCCCTGATTCAGAA[A>T]ATTTTGATTGGAAAGCTATTCAGGAAGGTGCAAATTCCATAGTAAGTAGTTTACATCAAG-3'
Protein context (NP_000029.2, residues 2088-2108): SEHGLSPDSE[Asn2098Tyr]FDWKAIQEGA

ClinVar aggregate classification (germline): Uncertain significance (1 of 4 stars; one submission).

Conditions:
Hereditary cancer-predisposing syndrome. Also called: Tumor predisposition; Neoplastic Syndromes, Hereditary; Hereditary Cancer Syndrome; Hereditary neoplastic syndrome. Identifiers: Orphanet 140162, MedGen C0027672, MeSH D009386, MONDO:0015356.

Submission:

Ambry Genetics
Classification: Uncertain significance for Hereditary cancer-predisposing syndrome. Last evaluated: 2024-12-14. Review status: criteria provided, single submitter. Criteria: Ambry Variant Classification Scheme 2023. Collection method: clinical testing. Allele origin: germline.
Comment: The p.N2098Y variant (also known as c.6292A>T), located in coding exon 15 of the APC gene, results from an A to T substitution at nucleotide position 6292. The asparagine at codon 2098 is replaced by tyrosine, an amino acid with dissimilar properties. This amino acid position is conserved. In addition, in silico predictors for this gene do not accurately predict pathogenicity. Based on the available evidence, the clinical significance of this variant remains unclear.